The following is an entry in ClinVar:

NM_001395490.1(TRERF1):c.36G>A (p.Val12=)

Gene: TRERF1 (transcriptional regulating factor 1; minus strand). Cytogenetic location: 6p21.1.
Variant type: single nucleotide variant.
Coding change: c.36G>A on transcript NM_001395490.1 (MANE Select); coding-DNA position 36, G replaced by A.
Protein change: p.Val12=; no amino-acid change (valine 12 retained).
Molecular consequence: synonymous variant.
Genome position (GRCh38, 1-based): chr6:42,269,555, C>T on the plus strand (G>A on the coding strand, the complement: TRERF1 is on the minus strand). VCF-style: chr6-42269555-C-T. GRCh37 (hg19) VCF-style: chr6-42237293-C-T.
Other names: c.36G>A, p.Val12= (NM_001297573.2, NM_001391983.1, NM_001391984.1 and 1 more transcripts).
Identifiers: ClinVar variation 668242 (VCV000668242.2), dbSNP rs1582709439, ClinGen allele CA450362034.

ClinVar aggregate classification (germline): Likely benign (1 of 4 stars; one submission).

Allele frequency attached by ClinVar (database versions not stated): gnomAD exomes below 0.00001.
gnomAD v4.1: 1 of 1,614,148 alleles (0.000062%); highest among the groups gnomAD compares: East Asian, 0.0022%; no homozygotes.

Submission:

GeneDx
Classification: Likely benign. Last evaluated: 2018-05-18. Review status: criteria provided, single submitter. Criteria: GeneDx Variant Classification (06012015). Collection method: clinical testing. Allele origin: germline. Affected: yes.
Comment: This variant is considered likely benign or benign based on one or more of the following criteria: it is a conservative change, it occurs at a poorly conserved position in the protein, it is predicted to be benign by multiple in silico algorithms, and/or has population frequency not consistent with disease.